The following is an entry in ClinVar:

NM_001365999.1(SZT2):c.4135C>T (p.Arg1379Trp)

Gene: SZT2 (SZT2 subunit of KICSTOR complex; plus strand). Cytogenetic location: 1p34.2.
Variant type: single nucleotide variant.
Coding change: c.4135C>T on transcript NM_001365999.1 (MANE Select); coding-DNA position 4135, C replaced by T.
Protein change: p.Arg1379Trp; replaces arginine 1379 with tryptophan.
Molecular consequence: missense variant.
Genome position (GRCh38, 1-based): chr1:43,428,455, C>T. VCF-style: chr1-43428455-C-T. GRCh37 (hg19) VCF-style: chr1-43894126-C-T.
Other names: c.3964C>T, p.Arg1322Trp (NM_015284.4); short protein forms R1322W, R1379W.
Identifiers: ClinVar variation 433089 (VCV000433089.8), dbSNP rs752473314, ClinGen allele CA809188.

ClinVar aggregate classification (germline): Uncertain significance. Review status: criteria provided, multiple submitters, no conflicts (2 of 4 stars). 4 submissions from 4 submitters: Uncertain significance (3). 1 of the submissions does not count toward it. Last evaluated 2024-11-24.

Conditions:
Inborn genetic diseases. Identifiers: MedGen C0950123, MeSH D030342.
Self-limited epilepsy with centrotemporal spikes. Also called: Rolandic epilepsy; Childhood epilepsy with centrotemporal spikes. Identifiers: Orphanet 1945, MedGen C0376532, MONDO:0007295.

Allele frequency attached by ClinVar (database versions not stated): TOPMed below 0.00001; gnomAD 0.00001; ExAC 0.00002; gnomAD exomes 0.00001 and 0.00002.
gnomAD v4.1: 11 of 1,613,902 alleles (0.00068%); highest among the groups gnomAD compares: South Asian, 0.0011%; no homozygotes.

Submissions (4):

GeneDx
Classification: Uncertain significance. Last evaluated: 2024-11-24. Review status: criteria provided, single submitter. Criteria: GeneDx Variant Classification Process June 2021. Collection method: clinical testing. Allele origin: germline. Affected: yes.
Comment: In silico analysis supports that this missense variant has a deleterious effect on protein structure/function; This variant is associated with the following publications: (PMID: 29358611)

Ambry Genetics
Classification: Uncertain significance for Inborn genetic diseases. Last evaluated: 2024-09-16. Review status: criteria provided, single submitter. Criteria: Ambry Variant Classification Scheme 2023. Collection method: clinical testing. Allele origin: germline.

Labcorp Genetics (formerly Invitae), Labcorp
Classification: Uncertain significance. Last evaluated: 2022-08-01. Review status: criteria provided, single submitter. Criteria: Invitae Variant Classification Sherloc (09022015). Collection method: clinical testing. Allele origin: germline.
Comment: This sequence change replaces arginine, which is basic and polar, with tryptophan, which is neutral and slightly polar, at codon 1322 of the SZT2 protein (p.Arg1322Trp). This variant is present in population databases (rs752473314, gnomAD 0.04%). This variant has not been reported in the literature in individuals affected with SZT2-related conditions. ClinVar contains an entry for this variant (Variation ID: 433089). Algorithms developed to predict the effect of missense changes on protein structure and function (SIFT, PolyPhen-2, Align-GVGD) all suggest that this variant is likely to be disruptive. In summary, the available evidence is currently insufficient to determine the role of this variant in disease. Therefore, it has been classified as a Variant of Uncertain Significance.

Bioinformatics Core, Luxembourg Center for Systems Biomedicine
Classification: Pathogenic for Self-limited epilepsy with centrotemporal spikes. Last evaluated: 2017-01-01. Review status: no assertion criteria provided. Collection method: case-control. Allele origin: germline. Affected: yes. Study: EUROEPINOMICS COGIE. Not counted in ClinVar's aggregate classification.

Literature cited by the submitters: PubMed 29358611 (cited by Bioinformatics Core, Luxembourg Center for Systems Biomedicine).